The following is an entry in ClinVar:

ClinVar aggregate classification (germline): Uncertain significance (1 of 4 stars; one submission).

Allele frequency attached by ClinVar (database versions not stated): gnomAD exomes 0.00001; TOPMed 0.00001.
gnomAD v4.1: 12 of 1,612,450 alleles (0.00074%); highest among the groups gnomAD compares: African/African-American, 0.0013%; no homozygotes.

Submission:

Labcorp Genetics (formerly Invitae), Labcorp
Classification: Uncertain significance. Last evaluated: 2022-04-18. Review status: criteria provided, single submitter. Criteria: Invitae Variant Classification Sherloc (09022015). Collection method: clinical testing. Allele origin: germline.
Comment: This variant has not been reported in the literature in individuals affected with CIT-related conditions. This variant is not present in population databases (gnomAD no frequency). This sequence change replaces threonine, which is neutral and polar, with methionine, which is neutral and non-polar, at codon 1053 of the CIT protein (p.Thr1053Met). Algorithms developed to predict the effect of missense changes on protein structure and function are either unavailable or do not agree on the potential impact of this missense change (SIFT: "Deleterious"; PolyPhen-2: "Probably Damaging"; Align-GVGD: "Class C15"). In summary, the available evidence is currently insufficient to determine the role of this variant in disease. Therefore, it has been classified as a Variant of Uncertain Significance.

NM_001206999.2(CIT):c.3158C>T (p.Thr1053Met)

Gene: CIT (citron rho-interacting serine/threonine kinase; minus strand). Cytogenetic location: 12q24.23.
Variant type: single nucleotide variant.
Coding change: c.3158C>T on transcript NM_001206999.2 (MANE Select); coding-DNA position 3158, C replaced by T.
Protein change: p.Thr1053Met; replaces threonine 1053 with methionine.
Molecular consequence: missense variant.
Genome position (GRCh38, 1-based): chr12:119,734,356, G>A on the plus strand (C>T on the coding strand, the complement: CIT is on the minus strand). VCF-style: chr12-119734356-G-A. GRCh37 (hg19) VCF-style: chr12-120172161-G-A.
Other names: c.3032C>T, p.Thr1011Met (NM_007174.3); short protein forms T1011M, T1053M.
Identifiers: ClinVar variation 2127034 (VCV002127034.4), dbSNP rs1295216069, ClinGen allele CA386550231.